The following is an entry in ClinVar:

NM_001009944.3(PKD1):c.10560dup (p.Pro3521fs)

Genes: PKD1-AS1 (PKD1 antisense RNA 1; plus strand), PKD1 (polycystin 1, transient receptor potential channel interacting; minus strand). Cytogenetic location: 16p13.3.
Variant type: Duplication.
Coding change: c.10560dup on transcript NM_001009944.3 (MANE Select); coding-DNA position 10560, one base duplicated (G; older notation c.10560dupG).
Protein change: p.Pro3521fs; shifts the reading frame from proline 3521.
Molecular consequence: frameshift variant.
Genome position (GRCh38, 1-based): chr16:2,094,150, C duplicated on the plus strand (G on the coding strand, the reverse complement: PKD1 is on the minus strand); the first of 4 consecutive C bases (chr16:2,094,150-2,094,153); duplicating any one gives the same sequence. VCF-style (leftmost placement, unchanged base first): chr16-2094149-G-GC. GRCh37 (hg19) VCF-style: chr16-2144150-G-GC.
Other names: c.10557dup, p.Pro3520fs (NM_000296.4); c.10560dupG (NM_001009944.2); short protein forms P3520fs, P3521fs.
Identifiers: ClinVar variation 438665 (VCV000438665.3), dbSNP rs1555447196, ClinGen allele CA645509216.

ClinVar aggregate classification (germline): Pathogenic. Review status: criteria provided, single submitter (1 of 4 stars). 2 submissions from 2 submitters: Pathogenic (1). 1 of the submissions does not count toward it. Last evaluated 2025-06-26.

Conditions:
Polycystic kidney disease, adult type (PKD1). Also called: Polycystic Kidney, Autosomal Dominant; POLYCYSTIC KIDNEY DISEASE 1 WITH OR WITHOUT POLYCYSTIC LIVER DISEASE; POLYCYSTIC KIDNEY DISEASE, ADULT, TYPE I; Polycystic Kidney Disease 1, Autosomal Dominant; Polycystic kidney disease 1; Polycystic kidney disease 1, severe. Identifiers: MedGen C3149841, MONDO:0008263, OMIM 173900.

Submissions (2):

Institute of Human Genetics, University of Leipzig Medical Center
Classification: Pathogenic for Polycystic kidney disease, adult type. Last evaluated: 2025-06-26. Review status: criteria provided, single submitter. Criteria: ACMG Guidelines, 2015. Collection method: clinical testing. Allele origin: unknown. Inheritance: Autosomal dominant inheritance. Affected: yes.
Comment: Criteria applied: PVS1,PM2,PS4_SUP

Bioscientia Institut fuer Medizinische Diagnostik GmbH, Sonic Healthcare
Classification: Pathogenic for Polycystic kidney disease, adult type. Last evaluated: 2017-04-20. Review status: no assertion criteria provided. Collection method: clinical testing. Allele origin: germline. Affected: yes. Not counted in ClinVar's aggregate classification.